The following is an entry in ClinVar:

ClinVar aggregate classification (germline): Uncertain significance (1 of 4 stars; one submission).

Conditions:
Neurodevelopmental disorder with speech impairment and dysmorphic facies. Identifiers: MedGen C5436699, MONDO:0033630, OMIM 619056.

Submission:

Neuberg Centre For Genomic Medicine, NCGM
Classification: Uncertain significance for Neurodevelopmental disorder with speech impairment and dysmorphic facies. Last evaluated: 2023-05-20. Review status: criteria provided, single submitter. Criteria: ACMG Guidelines, 2015. Collection method: clinical testing. Allele origin: germline. Inheritance: Autosomal dominant inheritance. Affected: yes.
Comment: The observed missense variant c.3451C>G(p.Pro1151Ala) in SETD1A gene has not been reported previously as a pathogenic variant nor as a benign variant, to our knowledge. The c.3451C>G variant has 0.0004% allele frequency in gnomAD Exomes. The amino acid Proline at position 1151 is changed to a Alanine changing protein sequence and it might alter its composition and physico-chemical properties. Computational evidence (Polyphen, SIFT and Mutation Taster) predicts conflicting evidence on protein structure and function for this variant. The reference amino acid in SETD1A is predicted as conserved by GERP++ and PhyloP across 100 vertebrates. For these reasons, this variant has been classified as Uncertain Significance.

NM_014712.3(SETD1A):c.3451C>G (p.Pro1151Ala)

Gene: SETD1A (SET domain containing 1A, histone lysine methyltransferase; plus strand). Cytogenetic location: 16p11.2.
Variant type: single nucleotide variant.
Coding change: c.3451C>G on transcript NM_014712.3 (MANE Select); coding-DNA position 3451, C replaced by G.
Protein change: p.Pro1151Ala; replaces proline 1151 with alanine.
Molecular consequence: missense variant.
Genome position (GRCh38, 1-based): chr16:30,979,237, C>G. VCF-style: chr16-30979237-C-G. GRCh37 (hg19) VCF-style: chr16-30990558-C-G.
Other names: short protein forms P1151A.
Identifiers: ClinVar variation 3367123 (VCV003367123.1).
Genomic context (GRCh38, chr16:30,979,237, plus strand): 5'-CTGCGTCCCCCAGAACCACCTGCTGGGCCCCCGGCCCCTGCCCCACGCCCCGATGAGCGT[C>G]CCTCTTCTCCCATCCCCCTCCTGCCCCCACCCAAGAAACGCCGGAAAACTGTCTCCTTCT-3'
Protein context (NP_055527.1, residues 1141-1161): PAPAPRPDER[Pro1151Ala]SSPIPLLPPP